The following is an entry in ClinVar:

NM_032539.5(SLITRK2):c.4C>G (p.Leu2Val)

Gene: SLITRK2 (SLIT and NTRK like family member 2; plus strand). Cytogenetic location: Xq27.3.
Variant type: single nucleotide variant.
Coding change: c.4C>G on transcript NM_032539.5 (MANE Select); coding-DNA position 4, C replaced by G.
Protein change: p.Leu2Val; replaces leucine 2 with valine.
Molecular consequence: missense variant.
Genome position (GRCh38, 1-based): chrX:145,822,429, C>G. VCF-style: chrX-145822429-C-G. GRCh37 (hg19) VCF-style: chrX-144903947-C-G.
Other names: c.4C>G, p.Leu2Val (NM_001144003.3, NM_001144004.3, NM_001144005.3 and 4 more transcripts); short protein forms L2V.
Identifiers: ClinVar variation 4076184 (VCV004076184.1).
Genomic context (GRCh38, chrX:145,822,429, plus strand): 5'-TGCCCCCACCTAAGGTTTGCCTGTAGGTACCTGAGTTGACACCGAAGGTGCCTAAAGATG[C>G]TGAGCGGCGTTTGGTTCCTCAGTGTGTTAACCGTGGCCGGGATCTTACAGACAGAGAGTC-3'
Protein context (NP_115928.1, residues 1-12): M[Leu2Val]SGVWFLSVLT

ClinVar aggregate classification (germline): Uncertain significance (1 of 4 stars; one submission).

Conditions:
Intellectual developmental disorder, X-linked 111 (XLID111). Identifiers: MedGen C5829568, MONDO:0957203, OMIM 301107.

Submission:

Laboratorio de Genetica e Diagnostico Molecular, Hospital Israelita Albert Einstein
Classification: Uncertain significance for Intellectual developmental disorder, X-linked 111. Last evaluated: 2024-08-27. Review status: criteria provided, single submitter. Criteria: ACMG Guidelines, 2015. Collection method: clinical testing. Allele origin: germline. Affected: yes.
Comment: ACMG classification criteria: PM2 supporting, BP4 supporting